The following is an entry in ClinVar:

ClinVar aggregate classification (germline): Likely pathogenic (1 of 4 stars; one submission).

Conditions:
Schöpf-Schulz-Passarge syndrome. Also called: ECCRINE TUMORS WITH ECTODERMAL DYSPLASIA; KERATOSIS PALMOPLANTARIS WITH CYSTIC EYELIDS, HYPODONTIA, AND HYPOTRICHOSIS; SchC6pf-Schulz-Passarge syndrome. Identifiers: Orphanet 50944, MedGen C1857069, MONDO:0009145, OMIM 224750.

Submission:

Natera, Inc.
Classification: Likely pathogenic for Schopf-Schulz-Passarge syndrome. Last evaluated: 2025-05-16. Review status: criteria provided, single submitter. Criteria: Natera Variant Classification Schema (03/2026). Collection method: clinical testing. Allele origin: germline.
Comment: The c.754C>T variant in WNT10A is a nonsense variant predicted to introduce a stop codon at amino acid 252. This variant is expected to result in nonsense mediated decay, truncation, or a dysfunctional protein product. This variant is rare in the general population with a frequency below the threshold expected for the associated phenotype(s). Given the available evidence, this variant is classified as Likely Pathogenic.

NM_025216.3(WNT10A):c.754C>T (p.Gln252Ter)

Gene: WNT10A (Wnt family member 10A; plus strand). Cytogenetic location: 2q35.
Variant type: single nucleotide variant.
Coding change: c.754C>T on transcript NM_025216.3 (MANE Select); coding-DNA position 754, C replaced by T.
Protein change: p.Gln252Ter; replaces glutamine 252 with a stop codon.
Molecular consequence: nonsense.
Genome position (GRCh38, 1-based): chr2:218,890,361, C>T. VCF-style: chr2-218890361-C-T. GRCh37 (hg19) VCF-style: chr2-219755083-C-T.
Other names: short protein forms Q252*.
Identifiers: ClinVar variation 4816263 (VCV004816263.1).
Genomic context (GRCh38, chr2:218,890,361, plus strand): 5'-CGGGAGCCTCACAGAGACATCCACGCGAGAATGAGGCTTCACAACAACCGAGTTGGGAGG[C>T]AGGTGAGAGCCCCACCCCTGGGTCTGCTTCAAATCTCTTTGCCTAGGGCCTACCCCTTGC-3'